The following is an entry in ClinVar:

ClinVar aggregate classification (germline): Uncertain significance (1 of 4 stars; one submission).

Submission:

Labcorp Genetics (formerly Invitae), Labcorp
Classification: Uncertain significance. Last evaluated: 2022-07-06. Review status: criteria provided, single submitter. Criteria: Invitae Variant Classification Sherloc (09022015). Collection method: clinical testing. Allele origin: germline.
Comment: This sequence change replaces glutamic acid, which is acidic and polar, with lysine, which is basic and polar, at codon 589 of the ADAMTS10 protein (p.Glu589Lys). This variant is not present in population databases (gnomAD no frequency). This variant has not been reported in the literature in individuals affected with ADAMTS10-related conditions. Algorithms developed to predict the effect of missense changes on protein structure and function are either unavailable or do not agree on the potential impact of this missense change (SIFT: "Deleterious"; PolyPhen-2: "Possibly Damaging"; Align-GVGD: "Class C0"). Algorithms developed to predict the effect of sequence changes on RNA splicing suggest that this variant may create or strengthen a splice site. In summary, the available evidence is currently insufficient to determine the role of this variant in disease. Therefore, it has been classified as a Variant of Uncertain Significance.

NM_030957.4(ADAMTS10):c.1765G>A (p.Glu589Lys)

Gene: ADAMTS10 (ADAM metallopeptidase with thrombospondin type 1 motif 10; minus strand). Cytogenetic location: 19p13.2.
Variant type: single nucleotide variant.
Coding change: c.1765G>A on transcript NM_030957.4 (MANE Select); coding-DNA position 1765, G replaced by A.
Protein change: p.Glu589Lys; replaces glutamic acid 589 with lysine.
Molecular consequence: missense variant. On other transcripts: synonymous variant (1).
Genome position (GRCh38, 1-based): chr19:8,591,832, C>T on the plus strand (G>A on the coding strand, the complement: ADAMTS10 is on the minus strand). VCF-style: chr19-8591832-C-T. GRCh37 (hg19) VCF-style: chr19-8656716-C-T.
Other names: c.237G>A, p.Val79= (NM_001282352.2); short protein forms E589K.
Identifiers: ClinVar variation 2014352 (VCV002014352.1), dbSNP rs2512601852, ClinGen allele CA403752350.
Genomic context (GRCh38, chr19:8,591,832, plus strand): 5'-ACCCCTCAAGGGGTTTGGGGGAACTCACATCCGTGTTGCAGGAGCGGTGCCGCCTTCTCT[C>T]ACCCAGACAGTACTTGCCCCCGATGGTTGGCCTGGAAAGGGTGGTGGGATAGGAGAGGGA-3'
Protein context (NP_112219.3, residues 579-599): PTIGGKYCLG[Glu589Lys]RRRHRSCNTD